The following is an entry in ClinVar:

ClinVar aggregate classification (germline): Uncertain significance. Review status: criteria provided, multiple submitters, no conflicts (2 of 4 stars). 3 submissions from 3 submitters: Uncertain significance (3). Last evaluated 2024-09-20.

Conditions:
Inborn genetic diseases. Identifiers: MedGen C0950123, MeSH D030342.

Allele frequency attached by ClinVar (database versions not stated): TOPMed below 0.00001; gnomAD 0.00001; ExAC 0.00002; gnomAD exomes 0.00002 and 0.00004.

Submissions (3):

Blueprint Genetics
Classification: Uncertain significance. Last evaluated: 2024-09-20. Review status: criteria provided, single submitter. Criteria: ACMG Guidelines, 2015. Collection method: clinical testing. Allele origin: germline.

Labcorp Genetics (formerly Invitae), Labcorp
Classification: Uncertain significance. Last evaluated: 2022-08-22. Review status: criteria provided, single submitter. Criteria: Invitae Variant Classification Sherloc (09022015). Collection method: clinical testing. Allele origin: germline.
Comment: This sequence change replaces phenylalanine, which is neutral and non-polar, with tyrosine, which is neutral and polar, at codon 63 of the REEP6 protein (p.Phe63Tyr). This variant is present in population databases (rs769253636, gnomAD 0.005%). This variant has not been reported in the literature in individuals affected with REEP6-related conditions. ClinVar contains an entry for this variant (Variation ID: 1054857). Experimental studies and prediction algorithms are not available or were not evaluated, and the functional significance of this variant is currently unknown. In summary, the available evidence is currently insufficient to determine the role of this variant in disease. Therefore, it has been classified as a Variant of Uncertain Significance.

Ambry Genetics
Classification: Uncertain significance for Inborn genetic diseases. Last evaluated: 2022-04-27. Review status: criteria provided, single submitter. Criteria: Ambry Variant Classification Scheme 2023. Collection method: clinical testing. Allele origin: germline.

NM_138393.4(REEP6):c.188T>A (p.Phe63Tyr)

Gene: REEP6 (receptor accessory protein 6; plus strand). Cytogenetic location: 19p13.3.
Variant type: single nucleotide variant.
Coding change: c.188T>A on transcript NM_138393.4 (MANE Select); coding-DNA position 188, T replaced by A.
Protein change: p.Phe63Tyr; replaces phenylalanine 63 with tyrosine.
Molecular consequence: missense variant.
Genome position (GRCh38, 1-based): chr19:1,495,366, T>A. VCF-style: chr19-1495366-T-A. GRCh37 (hg19) VCF-style: chr19-1495365-T-A.
Other names: c.188T>A, p.Phe63Tyr (NM_001329556.3); c.188T>A (NM_138393.1); short protein forms F63Y.
Identifiers: ClinVar variation 1054857 (VCV001054857.6), dbSNP rs769253636, ClinGen allele CA9047424.